The following is an entry in ClinVar:

ClinVar aggregate classification (germline): Pathogenic (1 of 4 stars; one submission).

Conditions:
Cardiovascular phenotype. Identifiers: MedGen CN230736.

Submission:

Ambry Genetics
Classification: Pathogenic for Cardiovascular phenotype. Last evaluated: 2024-09-12. Review status: criteria provided, single submitter. Criteria: Ambry Variant Classification Scheme 2023. Collection method: clinical testing. Allele origin: germline.
Comment: The p.L742* pathogenic mutation (also known as c.2225T>A), located in coding exon 5 of the ALPK3 gene, results from a T to A substitution at nucleotide position 2225. This changes the amino acid from a leucine to a stop codon within coding exon 5. This variant is considered to be rare based on population cohorts in the Genome Aggregation Database (gnomAD). This alteration is expected to result in loss of function by premature protein truncation or nonsense-mediated mRNA decay. As such, this alteration is interpreted as a disease-causing mutation.

NM_020778.5(ALPK3):c.1619T>A (p.Leu540Ter)

Genes: ALPK3 (alpha kinase 3; plus strand), LOC111718493 (skeletal muscle cis-regulatory module overlapping ALPK3; plus strand). Cytogenetic location: 15q25.3.
Variant type: single nucleotide variant.
Coding change: c.1619T>A on transcript NM_020778.5 (MANE Select); coding-DNA position 1619, T replaced by A.
Protein change: p.Leu540Ter; replaces leucine 540 with a stop codon.
Molecular consequence: nonsense.
Genome position (GRCh38, 1-based): chr15:84,840,898, T>A. VCF-style: chr15-84840898-T-A. GRCh37 (hg19) VCF-style: chr15-85384129-T-A.
Other names: short protein forms L540*.
Identifiers: ClinVar variation 3533059 (VCV003533059.1).